The following is an entry in ClinVar:

NM_001035.3(RYR2):c.*1307C>T

Gene: RYR2 (ryanodine receptor 2; plus strand). Cytogenetic location: 1q43.
Variant type: single nucleotide variant.
Coding change: c.*1307C>T on transcript NM_001035.3 (MANE Select); 1307 bases downstream of the stop codon, C replaced by T.
Molecular consequence: 3 prime UTR variant.
Genome position (GRCh38, 1-based): chr1:237,833,954, C>T. VCF-style: chr1-237833954-C-T. GRCh37 (hg19) VCF-style: chr1-237997254-C-T.
Other names: c.*1307C>T (LRG_402t1).
Identifiers: ClinVar variation 296812 (VCV000296812.8), dbSNP rs16835904, ClinGen allele CA10609606.

ClinVar aggregate classification (germline): Benign. Review status: criteria provided, multiple submitters, no conflicts (2 of 4 stars). 4 submissions from 3 submitters: Benign (4). Last evaluated 2021-05-16.

Conditions:
Catecholaminergic polymorphic ventricular tachycardia 1. Also called: VENTRICULAR TACHYCARDIA, CATECHOLAMINERGIC POLYMORPHIC, 1, WITH OR WITHOUT ATRIAL DYSFUNCTION AND/OR DILATED CARDIOMYOPATHY; VENTRICULAR TACHYCARDIA, STRESS-INDUCED POLYMORPHIC 1; RYR2-Related Catecholaminergic Polymorphic Ventricular Tachycardia. Identifiers: Orphanet 3286, MedGen C1631597, MONDO:0011484, OMIM 604772.
Arrhythmogenic right ventricular dysplasia 2. Identifiers: MedGen C1832931.

Allele frequency attached by ClinVar (database versions not stated): TOPMed 0.17087; 1000 Genomes Project 30x 0.24094; 1000 Genomes Project 0.24201; gnomAD exomes 0.07576; gnomAD 0.16356 and 0.16569.
gnomAD v4.1: 25,114 of 152,304 alleles (16%); highest among the groups gnomAD compares: African/African-American, 34%; 3,136 homozygotes.

Submissions (4):

GeneDx
Classification: Benign. Last evaluated: 2021-05-16. Review status: criteria provided, single submitter. Criteria: GeneDx Variant Classification Process June 2021. Collection method: clinical testing. Allele origin: germline. Affected: yes.

Illumina Laboratory Services, Illumina
Classification: Benign for Catecholaminergic polymorphic ventricular tachycardia 1. Last evaluated: 2018-01-12. Review status: criteria provided, single submitter. Criteria: ICSL Variant Classification Criteria 13 December 2019. Collection method: clinical testing. Allele origin: germline.
Comment: This variant was observed in the ICSL laboratory as part of a predisposition screen in an ostensibly healthy population. It had not been previously curated by ICSL or reported in the Human Gene Mutation Database (HGMD: prior to June 1st, 2018), and was therefore a candidate for classification through an automated scoring system. Utilizing variant allele frequency, disease prevalence and penetrance estimates, and inheritance mode, an automated score was calculated to assess if this variant is too frequent to cause the disease. Based on the score and internal cut-off values, a variant classified as benign is not then subjected to further curation. The score for this variant resulted in a classification of benign for this disease.

Illumina Laboratory Services, Illumina
Classification: Benign for Catecholaminergic polymorphic ventricular tachycardia 1. Last evaluated: 2018-01-12. Review status: criteria provided, single submitter. Criteria: ICSL Variant Classification Criteria 13 December 2019. Collection method: clinical testing. Allele origin: germline.
Comment: the same text as in the submission from Illumina Laboratory Services, Illumina above.

Breakthrough Genomics
Classification: Benign. Review status: criteria provided, single submitter. Criteria: ACMG Guidelines, 2015. Collection method: not provided. Allele origin: germline. Inheritance: Autosomal dominant inheritance. Affected: yes.